The following is an entry in ClinVar:

NM_001042432.2(CLN3):c.750del (p.Gln251fs)

Gene: CLN3 (CLN3 lysosomal/endosomal transmembrane protein, battenin; minus strand). Cytogenetic location: 16p12.1.
Variant type: Deletion.
Coding change: c.750del on transcript NM_001042432.2 (MANE Select); coding-DNA position 750, one base deleted (G; older notation c.750delG).
Protein change: p.Gln251fs; shifts the reading frame from glutamine 251.
Molecular consequence: frameshift variant.
Genome position (GRCh38, 1-based): chr16:28,484,046, C deleted on the plus strand (G on the coding strand, the reverse complement: CLN3 is on the minus strand); the first of 2 consecutive C bases (chr16:28,484,046-28,484,047); deleting either gives the same sequence. VCF-style (leftmost placement, unchanged base first): chr16-28484045-GC-G. GRCh37 (hg19) VCF-style: chr16-28495366-GC-G.
Other names: c.750del, p.Gln251fs (NM_000086.2); c.678del, p.Gln227fs (NM_001286104.2); c.450del, p.Gln151fs (NM_001286105.2); c.516del, p.Gln173fs (NM_001286109.2); c.588del, p.Gln197fs (NM_001286110.2); c.750delG (NM_001042432.1); c.750del (NM_001042432.1); short protein forms Q151fs, Q197fs, Q227fs, Q173fs, Q251fs.
Identifiers: ClinVar variation 423576 (VCV000423576.3), dbSNP rs1064796502, ClinGen allele CA16620179.

ClinVar aggregate classification (germline): Likely pathogenic (1 of 4 stars; one submission).

Submission:

GeneDx
Classification: Likely pathogenic. Last evaluated: 2024-09-25. Review status: criteria provided, single submitter. Criteria: GeneDx Variant Classification Process June 2021. Collection method: clinical testing. Allele origin: germline. Affected: yes.
Comment: Frameshift variant predicted to result in protein truncation or nonsense mediated decay in a gene for which loss of function is a known mechanism of disease; Not observed at significant frequency in large population cohorts (gnomAD); Has not been previously published as pathogenic or benign to our knowledge